The following is an entry in ClinVar:

NM_000038.6(APC):c.1958+829C>A

Gene: APC (APC regulator of WNT signaling pathway; plus strand). Cytogenetic location: 5q22.2.
Variant type: single nucleotide variant.
Coding change: c.1958+829C>A on transcript NM_000038.6 (MANE Select); 829 bases into the intron after coding-DNA position 1958, C replaced by A.
Molecular consequence: intron variant.
Genome position (GRCh38, 1-based): chr5:112,835,994, C>A. VCF-style: chr5-112835994-C-A. GRCh37 (hg19) VCF-style: chr5-112171691-C-A.
Other names: c.1958+829C>A (NM_001354895.2, NM_001127510.3); c.1988+829C>A (NM_001354897.2); c.1685+829C>A (NM_001354902.2); c.1904+829C>A (NM_001127511.3); c.1883+829C>A (NM_001354898.2); c.1580+829C>A (NM_001354904.2); c.1109+829C>A (NM_001354906.2); c.2012+829C>A (NM_001354896.2); and 5 more.
Identifiers: ClinVar variation 83222 (VCV000083222.2), dbSNP rs76537265, ClinGen allele CA006745.
Genomic context (GRCh38, chr5:112,835,994, plus strand): 5'-AAGAGAGTGCTTCAGATACAGGGCACACATTTTCAGAACTCGGATGCTGTATTATATCAA[C>A]AAAAATACAACTGTCTTTTTTTTTTTTTTTTTTTTTTTTTTCTTGAGATGGAGTCTTGCA-3'

ClinVar aggregate classification (germline): other (0 of 4 stars; one submission).

Conditions:
Familial colorectal cancer. Identifiers: MedGen CN280943, MONDO:0023113. Disease mechanism: loss of function.

Submission:

Systems Biology Platform Zhejiang California International NanoSystems Institute
Classification: other for Familial colorectal cancer. Review status: no assertion criteria provided. Collection method: not provided. Allele origin: unknown.
ClinVar note: Converted during submission from cancer to other.